The following is an entry in ClinVar:

ClinVar aggregate classification (germline): Uncertain significance. Review status: criteria provided, multiple submitters, no conflicts (2 of 4 stars). 2 submissions from 2 submitters: Uncertain significance (2). Last evaluated 2025-12-03.

Conditions:
Inborn genetic diseases. Identifiers: MedGen C0950123, MeSH D030342.
Dyskeratosis congenita, autosomal recessive 5 (DKCB5). Identifiers: MedGen C3554656, MONDO:0014076, OMIM 615190.
Pulmonary fibrosis and/or bone marrow failure, Telomere-related, 3. Also called: PULMONARY FIBROSIS AND/OR BONE MARROW FAILURE SYNDROME, TELOMERE-RELATED, 3. Identifiers: Orphanet 2032, MedGen C4225346, MONDO:0014613, OMIM 616373.

gnomAD v4.1: 1 of 1,613,340 alleles (0.000062%); highest among the groups gnomAD compares: African/African-American, 0.0013%; no homozygotes.

Submissions (2):

Labcorp Genetics (formerly Invitae), Labcorp
Classification: Uncertain significance for Dyskeratosis congenita, autosomal recessive 5; Pulmonary fibrosis and/or bone marrow failure, Telomere-related, 3. Last evaluated: 2025-12-03. Review status: criteria provided, single submitter. Criteria: Invitae Variant Classification Sherloc (09022015). Collection method: clinical testing. Allele origin: germline.
Comment: This sequence change replaces histidine, which is basic and polar, with leucine, which is neutral and non-polar, at codon 296 of the RTEL1 protein (p.His296Leu). This variant is not present in population databases (gnomAD no frequency). This variant has not been reported in the literature in individuals affected with RTEL1-related conditions. An algorithm developed to predict the effect of missense changes on protein structure and function outputs the following: PolyPhen-2: "Benign". The leucine amino acid residue is found in multiple mammalian species, which suggests that this missense change does not adversely affect protein function. In summary, the available evidence is currently insufficient to determine the role of this variant in disease. Therefore, it has been classified as a Variant of Uncertain Significance.

Ambry Genetics
Classification: Uncertain significance for Inborn genetic diseases. Last evaluated: 2025-11-29. Review status: criteria provided, single submitter. Criteria: Ambry Variant Classification Scheme 2023. Collection method: clinical testing. Allele origin: germline.
Comment: The p.H296L variant (also known as c.887A>T), located in coding exon 9 of the RTEL1 gene, results from an A to T substitution at nucleotide position 887. The histidine at codon 296 is replaced by leucine, an amino acid with similar properties. This amino acid position is conserved. In addition, this alteration is predicted to be tolerated by in silico analysis. Based on the available evidence, the clinical significance of this variant remains unclear.

NM_001283009.2(RTEL1):c.887A>T (p.His296Leu)

Genes: RTEL1 (regulator of telomere elongation helicase 1; plus strand), RTEL1-TNFRSF6B (RTEL1-TNFRSF6B readthrough (NMD candidate); plus strand). Cytogenetic location: 20q13.33.
Variant type: single nucleotide variant.
Coding change: c.887A>T on transcript NM_001283009.2 (MANE Select); coding-DNA position 887, A replaced by T.
Protein change: p.His296Leu; replaces histidine 296 with leucine.
Molecular consequence: missense variant. On other transcripts: non-coding transcript variant (1).
Genome position (GRCh38, 1-based): chr20:63,674,061, A>T. VCF-style: chr20-63674061-A-T. GRCh37 (hg19) VCF-style: chr20-62305414-A-T.
Other names: c.218A>T, p.His73Leu (NM_001283010.1); c.887A>T, p.His296Leu (NM_016434.4); c.959A>T, p.His320Leu (NM_032957.5); short protein forms H73L, H320L, H296L.
Identifiers: ClinVar variation 4629629 (VCV004629629.2).